The following is an entry in ClinVar:

NM_004369.4(COL6A3):c.775G>A (p.Ala259Thr)

Gene: COL6A3 (collagen type VI alpha 3 chain; minus strand). Cytogenetic location: 2q37.3.
Variant type: single nucleotide variant.
Coding change: c.775G>A on transcript NM_004369.4 (MANE Select); coding-DNA position 775, G replaced by A.
Protein change: p.Ala259Thr; replaces alanine 259 with threonine.
Molecular consequence: missense variant. On other transcripts: intron variant (2).
Genome position (GRCh38, 1-based): chr2:237,388,119, C>T on the plus strand (G>A on the coding strand, the complement: COL6A3 is on the minus strand). VCF-style: chr2-237388119-C-T. GRCh37 (hg19) VCF-style: chr2-238296762-C-T.
Other names: c.157G>A, p.Ala53Thr (NM_057165.5, NM_057167.4); c.92-6620G>A (NM_057166.5, NM_057164.5); short protein forms A259T, A53T.
Identifiers: ClinVar variation 197235 (VCV000197235.28), dbSNP rs141609058, ClinGen allele CA202762.

ClinVar aggregate classification (germline): Conflicting classifications of pathogenicity. Review status: criteria provided, conflicting classifications (1 of 4 stars). 7 submissions from 7 submitters: Uncertain significance (2); Benign (2); Likely benign (2). 1 of the submissions does not count toward it. Last evaluated 2025-12-16.

Conditions:
COL6A3-related disorder. Also called: COL6A3-related disorders; COL6A3-related condition.
Inborn genetic diseases. Identifiers: MedGen C0950123, MeSH D030342.
Collagen 6-related myopathy. Identifiers: MedGen CN117976, MONDO:0100225.
Bethlem myopathy 1A. Also called: MYOPATHY, BENIGN CONGENITAL, WITH CONTRACTURES; Bethlem myopathy 1; Bethlem Muscular Dystrophy. Identifiers: Orphanet 610, MedGen CN029274, MONDO:0024530, OMIM 158810.

Allele frequency attached by ClinVar (database versions not stated): 1000 Genomes Project 0.00020; ExAC 0.00021; gnomAD exomes 0.00021; 1000 Genomes Project 30x 0.00031; gnomAD 0.00063 and 0.00074; TOPMed 0.00084; ESP Exome Variant Server 0.00138.
gnomAD v4.1: 224 of 1,614,068 alleles (0.014%); highest among the groups gnomAD compares: African/African-American, 0.25%; no homozygotes.

Submissions (7):

Labcorp Genetics (formerly Invitae), Labcorp
Classification: Likely benign for Bethlem myopathy 1A. Last evaluated: 2025-12-16. Review status: criteria provided, single submitter. Criteria: Invitae Variant Classification Sherloc (09022015). Collection method: clinical testing. Allele origin: germline.

GeneDx
Classification: Uncertain significance. Last evaluated: 2023-06-01. Review status: criteria provided, single submitter. Criteria: GeneDx Variant Classification Process June 2021. Collection method: clinical testing. Allele origin: germline. Affected: yes.
Comment: In silico analysis supports that this missense variant does not alter protein structure/function; Has not been previously published as pathogenic or benign to our knowledge

Ambry Genetics
Classification: Uncertain significance for Inborn genetic diseases. Last evaluated: 2022-11-17. Review status: criteria provided, single submitter. Criteria: Ambry Variant Classification Scheme 2023. Collection method: clinical testing. Allele origin: germline.

Athena Diagnostics
Classification: Likely benign. Last evaluated: 2018-11-01. Review status: criteria provided, single submitter. Criteria: Athena Diagnostics Criteria. Collection method: clinical testing. Allele origin: germline.

Illumina Laboratory Services, Illumina
Classification: Benign for Collagen VI-related myopathy. Last evaluated: 2018-01-13. Review status: criteria provided, single submitter. Criteria: ICSL Variant Classification Criteria 13 December 2019. Collection method: clinical testing. Allele origin: germline.
Comment: This variant was observed in the ICSL laboratory as part of a predisposition screen in an ostensibly healthy population. It had not been previously curated by ICSL or reported in the Human Gene Mutation Database (HGMD: prior to June 1st, 2018), and was therefore a candidate for classification through an automated scoring system. Utilizing variant allele frequency, disease prevalence and penetrance estimates, and inheritance mode, an automated score was calculated to assess if this variant is too frequent to cause the disease. Based on the score and internal cut-off values, a variant classified as benign is not then subjected to further curation. The score for this variant resulted in a classification of benign for this disease.

Eurofins Ntd Llc (ga)
Classification: Benign. Last evaluated: 2014-05-13. Review status: criteria provided, single submitter. Criteria: EGL Classification Definitions 2015. Collection method: clinical testing. Allele origin: germline. Observed: 1 variant allele, 1 heterozygote.

PreventionGenetics, part of Exact Sciences
Classification: Likely benign for COL6A3-related condition. Last evaluated: 2022-12-28. Review status: no assertion criteria provided. Collection method: clinical testing. Allele origin: germline. Not counted in ClinVar's aggregate classification.
Comment: This variant is classified as likely benign based on ACMG/AMP sequence variant interpretation guidelines (Richards et al. 2015 PMID: 25741868, with internal and published modifications).